The following is an entry in ClinVar:

NM_138713.4(NFAT5):c.4643C>G (p.Ser1548Cys)

Gene: NFAT5 (nuclear factor of activated T cells 5; plus strand). Cytogenetic location: 16q22.1.
Variant type: single nucleotide variant.
Coding change: c.4643C>G on transcript NM_138713.4 (MANE Select); coding-DNA position 4643, C replaced by G.
Protein change: p.Ser1548Cys; replaces serine 1548 with cysteine.
Molecular consequence: missense variant.
Genome position (GRCh38, 1-based): chr16:69,695,364, C>G. VCF-style: chr16-69695364-C-G. GRCh37 (hg19) VCF-style: chr16-69729267-C-G.
Other names: c.4640C>G, p.Ser1547Cys (NM_001113178.3); c.3968C>G, p.Ser1323Cys (NM_001367709.1); c.4589C>G, p.Ser1530Cys (NM_006599.4); c.4361C>G, p.Ser1454Cys (NM_138714.4, NM_173214.3, NM_173215.3); short protein forms S1323C, S1454C, S1530C, S1547C, S1548C.
Identifiers: ClinVar variation 1064372 (VCV001064372.9), dbSNP rs1321523625, ClinGen allele CA396516265.

ClinVar aggregate classification (germline): Uncertain significance (1 of 4 stars; one submission).

Conditions:
Immunodeficiency. Identifiers: MedGen C0021051, MONDO:0021094, HP:0002721.

Allele frequency attached by ClinVar (database versions not stated): gnomAD exomes below 0.00001; TOPMed below 0.00001; gnomAD 0.00001.
gnomAD v4.1: 3 of 1,611,336 alleles (0.00019%); highest among the groups gnomAD compares: Non-Finnish European, 0.00025%; no homozygotes.

Submission:

Labcorp Genetics (formerly Invitae), Labcorp
Classification: Uncertain significance for Immunodeficiency. Last evaluated: 2020-04-27. Review status: criteria provided, single submitter. Criteria: Invitae Variant Classification Sherloc (09022015). Collection method: clinical testing. Allele origin: germline.
Comment: This sequence change replaces serine with cysteine at codon 1454 of the NFAT5 protein (p.Ser1454Cys). The serine residue is moderately conserved and there is a moderate physicochemical difference between serine and cysteine. Algorithms developed to predict the effect of missense changes on protein structure and function are either unavailable or do not agree on the potential impact of this missense change (SIFT: "Deleterious"; PolyPhen-2: "Possibly Damaging"; Align-GVGD: "Class C0"). This variant has not been reported in the literature in individuals with NFAT5-related conditions. This variant is not present in population databases (ExAC no frequency). In summary, the available evidence is currently insufficient to determine the role of this variant in disease. Therefore, it has been classified as a Variant of Uncertain Significance.